The following is an entry in ClinVar:

NM_015338.6(ASXL1):c.2324T>G (p.Leu775Ter)

Gene: ASXL1 (ASXL transcriptional regulator 1; plus strand). Cytogenetic location: 20q11.21.
Variant type: single nucleotide variant.
Coding change: c.2324T>G on transcript NM_015338.6 (MANE Select); coding-DNA position 2324, T replaced by G.
Protein change: p.Leu775Ter; replaces leucine 775 with a stop codon.
Molecular consequence: nonsense.
Genome position (GRCh38, 1-based): chr20:32,435,036, T>G. VCF-style: chr20-32435036-T-G. GRCh37 (hg19) VCF-style: chr20-31022839-T-G.
Other names: c.2141T>G, p.Leu714Ter (NM_001363734.1); short protein forms L714*, L775*.
Identifiers: ClinVar variation 2584479 (VCV002584479.1), dbSNP rs752263134, ClinGen allele CA9808592.

ClinVar aggregate classification (germline): Pathogenic (1 of 4 stars; one submission).

Conditions:
ASXL1-related disorder. Also called: ASXL1-related condition; ASXL1-related disorders.

Allele frequency attached by ClinVar (database versions not stated): gnomAD exomes below 0.00001; ExAC 0.00001.
gnomAD v4.1: 4 of 1,614,102 alleles (0.00025%); highest among the groups gnomAD compares: Non-Finnish European, 0.00034%; no homozygotes.

Submission:

Rady Children's Institute for Genomic Medicine, Rady Children's Hospital San Diego
Classification: Pathogenic for ASXL1-Related Disorders. Review status: criteria provided, single submitter. Criteria: ACMG Guidelines, 2015. Collection method: clinical testing. Allele origin: germline. Affected: yes.
Comment: This nonsense variant found in exon 13 of 13 is predicted to result in loss of normal protein function through either protein truncation or nonsense-mediated mRNA decay (NMD). This variant has been previously reported as a heterozygous change in patients with Bohring-Opitz syndrome (PMID: 25921057). Loss-of-function variation in ASXL1 is an established mechanism of disease (PMID: 21706002, 29681100,33751773). The c.2324T>G (p.Leu775Ter) variant is absent from the gnomAD population database and thus is presumed to be rare. Analysis of the parental samples was negative for the variant, indicating this variant likely occurred as a de novo event. Based on the available evidence, the c.2324T>G (p.Leu775Ter) variant is classified as Pathogenic.